The following is an entry in ClinVar:

NM_012062.5(DNM1L):c.304A>G (p.Thr102Ala)

Gene: DNM1L (dynamin 1 like; plus strand). Cytogenetic location: 12p11.21.
Variant type: single nucleotide variant.
Coding change: c.304A>G on transcript NM_012062.5 (MANE Select); coding-DNA position 304, A replaced by G.
Protein change: p.Thr102Ala; replaces threonine 102 with alanine.
Molecular consequence: missense variant. On other transcripts: intron variant (1).
Genome position (GRCh38, 1-based): chr12:32,708,159, A>G. VCF-style: chr12-32708159-A-G. GRCh37 (hg19) VCF-style: chr12-32861093-A-G.
Other names: c.304A>G, p.Thr102Ala (NM_001278463.2, NM_005690.5, NM_012063.4); c.343A>G, p.Thr115Ala (NM_001278464.2, NM_001278465.2, NM_001330380.2); c.131+746A>G (NM_001278466.2); short protein forms T102A, T115A.
Identifiers: ClinVar variation 1921178 (VCV001921178.5), dbSNP rs2541000623, ClinGen allele CA384365980.

ClinVar aggregate classification (germline): Uncertain significance (1 of 4 stars; one submission).

Submission:

Labcorp Genetics (formerly Invitae), Labcorp
Classification: Uncertain significance. Last evaluated: 2022-11-03. Review status: criteria provided, single submitter. Criteria: Invitae Variant Classification Sherloc (09022015). Collection method: clinical testing. Allele origin: germline.
Comment: In summary, the available evidence is currently insufficient to determine the role of this variant in disease. Therefore, it has been classified as a Variant of Uncertain Significance. Algorithms developed to predict the effect of missense changes on protein structure and function (SIFT, PolyPhen-2, Align-GVGD) all suggest that this variant is likely to be tolerated. This variant has not been reported in the literature in individuals affected with DNM1L-related conditions. This variant is not present in population databases (gnomAD no frequency). This sequence change replaces threonine, which is neutral and polar, with alanine, which is neutral and non-polar, at codon 102 of the DNM1L protein (p.Thr102Ala).